The following is an entry in ClinVar:

ClinVar aggregate classification (germline): Uncertain significance (1 of 4 stars; one submission).

Conditions:
SH2B3-related disorder. Also called: SH2B3-related condition.

gnomAD v4.1: 25 of 1,613,932 alleles (0.0015%); highest among the groups gnomAD compares: Middle Eastern, 0.016%; no homozygotes.

Submission:

PreventionGenetics, part of Exact Sciences
Classification: Uncertain significance for SH2B3-related condition. Last evaluated: 2025-02-14. Review status: criteria provided, single submitter. Criteria: ACMG Guidelines, 2015. Collection method: clinical testing. Allele origin: germline.
Comment: The SH2B3 c.1522C>T variant is predicted to result in the amino acid substitution p.Arg508Trp. To our knowledge, this variant has not been reported in the literature. This variant is reported in 0.0050% of alleles in individuals of East Asian descent in gnomAD. At this time, the clinical significance of this variant is uncertain due to the absence of conclusive functional and genetic evidence.

NM_005475.3(SH2B3):c.1522C>T (p.Arg508Trp)

Gene: SH2B3 (SH2B adaptor protein 3; plus strand). Cytogenetic location: 12q24.12.
Variant type: single nucleotide variant.
Coding change: c.1522C>T on transcript NM_005475.3 (MANE Select); coding-DNA position 1522, C replaced by T.
Protein change: p.Arg508Trp; replaces arginine 508 with tryptophan.
Molecular consequence: missense variant.
Genome position (GRCh38, 1-based): chr12:111,448,096, C>T. VCF-style: chr12-111448096-C-T. GRCh37 (hg19) VCF-style: chr12-111885900-C-T.
Other names: c.916C>T, p.Arg306Trp (NM_001291424.1); short protein forms R508W, R306W.
Identifiers: ClinVar variation 4979365 (VCV004979365.1).